The following is an entry in ClinVar:

NM_001271696.3(ABCB7):c.1832-11T>C

Gene: ABCB7 (ATP binding cassette subfamily B member 7; minus strand). Cytogenetic location: Xq13.3.
Variant type: single nucleotide variant.
Coding change: c.1832-11T>C on transcript NM_001271696.3 (MANE Select); 11 bases into the intron before coding-DNA position 1832, T replaced by C.
Molecular consequence: intron variant.
Genome position (GRCh38, 1-based): chrX:75,062,442, A>G on the plus strand (T>C on the coding strand, the complement: ABCB7 is on the minus strand). VCF-style: chrX-75062442-A-G. GRCh37 (hg19) VCF-style: chrX-74282277-A-G.
Other names: c.1754-11T>C (NM_001271698.3); c.1712-11T>C (NM_001271697.3); c.1715-11T>C (NM_001271699.3); c.1835-11T>C (NM_004299.6).
Identifiers: ClinVar variation 213984 (VCV000213984.2), dbSNP rs756677240, ClinGen allele CA321991.
Genomic context (GRCh38, chrX:75,062,442, plus strand): 5'-GGGGTCCTTCAAAATGGCTCTTGCAATTGCTACTCTTTGCTTTTCTCCTCCTGGTAAAGG[A>G]AAATTTTACTTTAAGGAAGCATAGTGCATGCATATTTTATGTTTTTAGTGTTTCCATTGA-3'

ClinVar aggregate classification (germline): Uncertain significance (1 of 4 stars; one submission).

Allele frequency attached by ClinVar (database versions not stated): gnomAD exomes below 0.00001 and 0.00001; ExAC 0.00001.
gnomAD v4.1: 4 of 1,181,471 alleles (0.00034%); highest among the groups gnomAD compares: Non-Finnish European, 0.00046%; no homozygotes.

Submission:

GeneDx
Classification: Uncertain significance. Last evaluated: 2014-03-17. Review status: criteria provided, single submitter. Criteria: GeneDx Variant Classification (06012015). Collection method: clinical testing. Allele origin: germline. Affected: yes.
Comment: c.1835-11 T>C: IVS13-11 T>C in intron 13 of the ABCB7 gene (NM_004299.3). The c.1835-11 T>C variant has not been published as a mutation, nor has it been reported as a benign polymorphism to our knowledge. In-silico splice prediction models predict that c.1835-11 T>C damages the natural splice acceptor site in intron 13, which would be expected to lead to abnormal gene splicing. However, the true effect of c.1835-11 T>C on splicing in vivo is not known without functional studies. Therefore, based on the currently available information, it is unclear whether this variant is a pathogenic mutation or a rare benign variant. The variant is found in MITONUC-MITOP panel(s).